The following is an entry in ClinVar:

ClinVar aggregate classification (germline): Uncertain significance (1 of 4 stars; one submission).

Allele frequency attached by ClinVar (database versions not stated): gnomAD exomes below 0.00001; ExAC 0.00001.
gnomAD v4.1: 1 of 1,614,138 alleles (0.000062%); highest among the groups gnomAD compares: Non-Finnish European, 0.000085%; no homozygotes.

Submission:

Labcorp Genetics (formerly Invitae), Labcorp
Classification: Uncertain significance. Last evaluated: 2024-02-24. Review status: criteria provided, single submitter. Criteria: Invitae Variant Classification Sherloc (09022015). Collection method: clinical testing. Allele origin: germline.
Comment: This sequence change replaces threonine, which is neutral and polar, with isoleucine, which is neutral and non-polar, at codon 3399 of the ANK3 protein (p.Thr3399Ile). This variant is present in population databases (rs751707901, gnomAD 0.0009%). This variant has not been reported in the literature in individuals affected with ANK3-related conditions. ClinVar contains an entry for this variant (Variation ID: 2110653). Advanced modeling of protein sequence and biophysical properties (such as structural, functional, and spatial information, amino acid conservation, physicochemical variation, residue mobility, and thermodynamic stability) performed at Invitae indicates that this missense variant is not expected to disrupt ANK3 protein function with a negative predictive value of 80%. In summary, the available evidence is currently insufficient to determine the role of this variant in disease. Therefore, it has been classified as a Variant of Uncertain Significance.

NM_020987.5(ANK3):c.10196C>T (p.Thr3399Ile)

Gene: ANK3 (ankyrin 3; minus strand). Cytogenetic location: 10q21.2.
Variant type: single nucleotide variant.
Coding change: c.10196C>T on transcript NM_020987.5 (MANE Select); coding-DNA position 10196, C replaced by T.
Protein change: p.Thr3399Ile; replaces threonine 3399 with isoleucine.
Molecular consequence: missense variant. On other transcripts: intron variant (4).
Genome position (GRCh38, 1-based): chr10:60,070,685, G>A on the plus strand (C>T on the coding strand, the complement: ANK3 is on the minus strand). VCF-style: chr10-60070685-G-A. GRCh37 (hg19) VCF-style: chr10-61830443-G-A.
Other names: c.4388-2676C>T (NM_001204403.2); c.4409-2676C>T (NM_001204404.2); c.4406-2676C>T (NM_001320874.2); c.1808-2676C>T (NM_001149.4); short protein forms T3399I.
Identifiers: ClinVar variation 2110653 (VCV002110653.4), dbSNP rs751707901, ClinGen allele CA5511273.